The following is an entry in ClinVar:

ClinVar aggregate classification (germline): Uncertain significance (1 of 4 stars; one submission).

Conditions:
Sifrim-Hitz-Weiss syndrome (SIHIWES). Also called: CHD4 Neurodevelopmental Disorder; SIFRIM-HITZ-WEISS MULTIPLE CONGENITAL ANOMALIES-MENTAL RETARDATION SYNDROME. Identifiers: Orphanet 653712, MedGen C4310688, MONDO:0014946, OMIM 617159.

Allele frequency attached by ClinVar (database versions not stated): ExAC 0.00001; gnomAD exomes 0.00001.
gnomAD v4.1: 8 of 1,614,076 alleles (0.0005%); highest among the groups gnomAD compares: Non-Finnish European, 0.00068%; no homozygotes.

Submission:

Victorian Clinical Genetics Services, Murdoch Childrens Research Institute
Classification: Uncertain significance for Sifrim-Hitz-Weiss syndrome. Last evaluated: 2020-05-25. Review status: criteria provided, single submitter. Criteria: ACMG Guidelines, 2015. Collection method: clinical testing. Allele origin: germline. Inheritance: Autosomal dominant inheritance.
Comment: A heterozygous missense variant was identified, NM_001273.4(CHD4):c.1075G>A in exon 9 of 40 of the CHD4 gene. This substitution is predicted to create a minor amino acid change from a valine to a methionine at position 359 of the protein; NP_001264.2(CHD4):p.(Val359Met). The valine at this position has moderate conservation (100 vertebrates, UCSC), and is not situated in a known functional domain (NCBI, PDB, UniProt). In silico software predictions of the pathogenicity of this variant are conflicting (Polyphen, SIFT, CADD, Mutation Taster). The variant is present in the gnomAD population database at a frequency of 0.00040% (1 heterozygote). This variant has not previously been reported in clinical cases. Based on information available at the time of curation, this variant has been classified as a VUS.

NM_001273.5(CHD4):c.1075G>A (p.Val359Met)

Gene: CHD4 (chromodomain helicase DNA binding protein 4; minus strand). Cytogenetic location: 12p13.31.
Variant type: single nucleotide variant.
Coding change: c.1075G>A on transcript NM_001273.5 (MANE Select); coding-DNA position 1075, G replaced by A.
Protein change: p.Val359Met; replaces valine 359 with methionine.
Molecular consequence: missense variant. On other transcripts: intron variant (1).
Genome position (GRCh38, 1-based): chr12:6,600,384, C>T on the plus strand (G>A on the coding strand, the complement: CHD4 is on the minus strand). VCF-style: chr12-6600384-C-T. GRCh37 (hg19) VCF-style: chr12-6709550-C-T.
Other names: c.1054G>A, p.Val352Met (NM_001297553.2); c.1064-28G>A (NM_001363606.2); short protein forms V352M, V359M.
Identifiers: ClinVar variation 1805532 (VCV001805532.2), dbSNP rs780281349, ClinGen allele CA6412306.